The following is an entry in ClinVar:

NM_001170629.2(CHD8):c.5851C>T (p.Gln1951Ter)

Gene: CHD8 (chromodomain helicase DNA binding protein 8; minus strand). Cytogenetic location: 14q11.2.
Variant type: single nucleotide variant.
Coding change: c.5851C>T on transcript NM_001170629.2 (MANE Select); coding-DNA position 5851, C replaced by T.
Protein change: p.Gln1951Ter; replaces glutamine 1951 with a stop codon.
Molecular consequence: nonsense.
Genome position (GRCh38, 1-based): chr14:21,393,944, G>A on the plus strand (C>T on the coding strand, the complement: CHD8 is on the minus strand). VCF-style: chr14-21393944-G-A. GRCh37 (hg19) VCF-style: chr14-21862103-G-A.
Other names: c.5014C>T, p.Gln1672Ter (NM_020920.4); short protein forms Q1672*, Q1951*.
Identifiers: ClinVar variation 3906808 (VCV003906808.1).

ClinVar aggregate classification (germline): Pathogenic (1 of 4 stars; one submission).

Submission:

GeneDx
Classification: Pathogenic. Last evaluated: 2024-12-19. Review status: criteria provided, single submitter. Criteria: GeneDx Variant Classification Process June 2021. Collection method: clinical testing. Allele origin: germline. Affected: yes.
Comment: Nonsense variant predicted to result in protein truncation or nonsense mediated decay in a gene for which loss of function is a known mechanism of disease; Not observed at significant frequency in large population cohorts (gnomAD); Has not been previously published as pathogenic or benign to our knowledge